The following is an entry in ClinVar:

ClinVar aggregate classification (germline): Uncertain significance (1 of 4 stars; one submission).

Conditions:
Primary hyperoxaluria, type I (HP1). Also called: OXALOSIS I; Primary hyperoxaluria type 1; GLYCOLIC ACIDURIA; HEPATIC AGT DEFICIENCY. Identifiers: Orphanet 416, Orphanet 93598, MedGen C0268164, MONDO:0009823, OMIM 259900. Disease mechanism: loss of function.

Submission:

Myriad Genetics, Inc.
Classification: Uncertain significance for Primary hyperoxaluria, type I. Last evaluated: 2025-08-27. Review status: criteria provided, single submitter. Criteria: Myriad Autosomal Dominant, Autosomal Recessive and X-Linked Classification Criteria (2023). Collection method: clinical testing. Allele origin: unknown.
Comment: NM_000030.2(AGXT):c.358+55_358+56ins72 is an intronic variant classified as a variant of uncertain significance in the context of primary hyperoxaluria type 1. c.358+55_358+56ins72 has not been observed in cases with relevant disease. Relevant functional assessments of this variant are not available in the literature. c.358+55_358+56ins72 has not been observed in referenced population frequency databases. In summary, there is insufficient evidence to classify NM_000030.2(AGXT):c.358+55_358+56ins72 as pathogenic or benign. Please note: this variant was assessed in the context of healthy population screening.

NM_000030.3(AGXT):c.358+55_358+56insCTGTTTGAAGCTGGCAGCCCCCGTTCCTGGGTGAGCGCTTACCCACCTTGTGGCCCTGGATCCATCCTTCAA

Gene: AGXT (alanine--glyoxylate aminotransferase; plus strand). Cytogenetic location: 2q37.3.
Variant type: Insertion.
Coding change: c.358+55_358+56insCTGTTTGAAGCTGGCAGCCCCCGTTCCTGGGTGAGCGCTTACCCACCTTGTGGCCCTGGATCCATCCTTCAA on transcript NM_000030.3 (MANE Select); bases 55 to 56 of the intron after coding-DNA position 358, CTGTTTGAAGCTGGCAGCCCCCGTTCCTGGGTGAGCGCTTACCCACCTTGTGGCCCTGGATCCATCCTTCAA inserted.
Molecular consequence: intron variant.
Genome position: GRCh38: chr2:240,869,417-240,869,418. GRCh37 (hg19): chr2:241,808,834-241,808,835.
Identifiers: ClinVar variation 5004135 (VCV005004135.1).